The following is an entry in ClinVar:

ClinVar aggregate classification (germline): Uncertain significance (1 of 4 stars; one submission).

gnomAD v4.1: 1 of 1,614,170 alleles (0.000062%); highest among the groups gnomAD compares: South Asian, 0.0011%; no homozygotes.

Submission:

GeneDx
Classification: Uncertain significance. Last evaluated: 2026-02-03. Review status: criteria provided, single submitter. Criteria: GeneDx Variant Classification Process June 2021. Collection method: clinical testing. Allele origin: germline.
Comment: Not observed at significant frequency in large population cohorts (gnomAD); In silico analysis supports that this missense variant has a deleterious effect on protein structure/function; Has not been previously published as pathogenic or benign to our knowledge

NM_004415.4(DSP):c.7859C>T (p.Ala2620Val)

Gene: DSP (desmoplakin; plus strand). Cytogenetic location: 6p24.3.
Variant type: single nucleotide variant.
Coding change: c.7859C>T on transcript NM_004415.4 (MANE Select); coding-DNA position 7859, C replaced by T.
Protein change: p.Ala2620Val; replaces alanine 2620 with valine.
Molecular consequence: missense variant.
Genome position (GRCh38, 1-based): chr6:7,585,121, C>T. VCF-style: chr6-7585121-C-T. GRCh37 (hg19) VCF-style: chr6-7585354-C-T.
Other names: c.6062C>T, p.Ala2021Val (NM_001008844.3); c.6530C>T, p.Ala2177Val (NM_001319034.2); short protein forms A2021V, A2177V, A2620V.
Identifiers: ClinVar variation 4976138 (VCV004976138.1).